The following is an entry in ClinVar:

NM_002184.4(IL6ST):c.2510T>G (p.Val837Gly)

Gene: IL6ST (interleukin 6 cytokine family signal transducer; minus strand). Cytogenetic location: 5q11.2.
Variant type: single nucleotide variant.
Coding change: c.2510T>G on transcript NM_002184.4 (MANE Select); coding-DNA position 2510, T replaced by G.
Protein change: p.Val837Gly; replaces valine 837 with glycine.
Molecular consequence: missense variant. On other transcripts: 3 prime UTR variant (1), non-coding transcript variant (2).
Genome position (GRCh38, 1-based): chr5:55,941,329, A>C on the plus strand (T>G on the coding strand, the complement: IL6ST is on the minus strand). VCF-style: chr5-55941329-A-C. GRCh37 (hg19) VCF-style: chr5-55237157-A-C.
Other names: c.2327T>G, p.Val776Gly (NM_001190981.2); c.2408T>G, p.Val803Gly (NM_001364275.2); c.2300T>G, p.Val767Gly (NM_001364276.2); c.1643T>G, p.Val548Gly (NM_001364277.2); c.1607T>G, p.Val536Gly (NM_001364278.2); c.1514T>G, p.Val505Gly (NM_001364279.2); c.*1437T>G (NM_175767.3); short protein forms V548G, V776G, V837G, V536G, V505G, V767G, V803G.
Identifiers: ClinVar variation 2975612 (VCV002975612.3), dbSNP rs112330319, ClinGen allele CA359777928.

ClinVar aggregate classification (germline): Uncertain significance (1 of 4 stars; one submission).

Allele frequency attached by ClinVar (database versions not stated): gnomAD exomes 0.00001; gnomAD 0.00002; TOPMed 0.00002.
gnomAD v4.1: 10 of 1,613,982 alleles (0.00062%); highest among the groups gnomAD compares: Admixed American, 0.0067%; no homozygotes.

Submission:

Labcorp Genetics (formerly Invitae), Labcorp
Classification: Uncertain significance. Last evaluated: 2023-04-15. Review status: criteria provided, single submitter. Criteria: Invitae Variant Classification Sherloc (09022015). Collection method: clinical testing. Allele origin: germline.
Comment: Algorithms developed to predict the effect of missense changes on protein structure and function output the following: SIFT: "Not Available"; PolyPhen-2: "Benign"; Align-GVGD: "Not Available". The glycine amino acid residue is found in multiple mammalian species, which suggests that this missense change does not adversely affect protein function. In summary, the available evidence is currently insufficient to determine the role of this variant in disease. Therefore, it has been classified as a Variant of Uncertain Significance. This variant has not been reported in the literature in individuals affected with IL6ST-related conditions. This variant is present in population databases (no rsID available, gnomAD 0.006%). This sequence change replaces valine, which is neutral and non-polar, with glycine, which is neutral and non-polar, at codon 837 of the IL6ST protein (p.Val837Gly).